The following is an entry in ClinVar:

ClinVar aggregate classification (germline): Uncertain significance. Review status: criteria provided, multiple submitters, no conflicts (2 of 4 stars). 3 submissions from 3 submitters: Uncertain significance (3). Last evaluated 2024-05-20.

Conditions:
Cerebroretinal microangiopathy with calcifications and cysts 1 (CRMCC1). Identifiers: Orphanet 313838, MedGen C4552029, MONDO:0024564, OMIM 612199.
Dyskeratosis congenita. Identifiers: Orphanet 1775, MedGen C0265965, MONDO:0015780.

Allele frequency attached by ClinVar (database versions not stated): TOPMed 0.00002; ExAC 0.00003.
gnomAD v4.1: 8 of 1,613,288 alleles (0.0005%); highest among the groups gnomAD compares: East Asian, 0.016%; no homozygotes.

Submissions (3):

Fulgent Genetics
Classification: Uncertain significance for Cerebroretinal microangiopathy with calcifications and cysts 1. Last evaluated: 2024-05-20. Review status: criteria provided, single submitter. Criteria: ACMG Guidelines, 2015. Collection method: clinical testing. Allele origin: germline.

Daryl Scott Lab, Baylor College of Medicine
Classification: Uncertain significance for Cerebroretinal microangiopathy with calcifications and cysts 1. Last evaluated: 2024-01-01. Review status: criteria provided, single submitter. Criteria: ACMG Guidelines, 2015. Collection method: clinical testing. Allele origin: maternal. Observed: 1 heterozygote.
Comment: PP3

Labcorp Genetics (formerly Invitae), Labcorp
Classification: Uncertain significance for Dyskeratosis congenita. Last evaluated: 2023-12-11. Review status: criteria provided, single submitter. Criteria: Invitae Variant Classification Sherloc (09022015). Collection method: clinical testing. Allele origin: germline.
Comment: This sequence change falls in intron 15 of the CTC1 gene. It does not directly change the encoded amino acid sequence of the CTC1 protein. It affects a nucleotide within the consensus splice site. This variant is present in population databases (rs765650487, gnomAD 0.04%). This variant has not been reported in the literature in individuals affected with CTC1-related conditions. ClinVar contains an entry for this variant (Variation ID: 846882). Variants that disrupt the consensus splice site are a relatively common cause of aberrant splicing (PMID: 17576681, 9536098). Algorithms developed to predict the effect of sequence changes on RNA splicing suggest that this variant may disrupt the consensus splice site. In summary, the available evidence is currently insufficient to determine the role of this variant in disease. Therefore, it has been classified as a Variant of Uncertain Significance.

Literature cited by the submitters: PubMed 17576681 (cited by Labcorp Genetics (formerly Invitae), Labcorp); PubMed 9536098 (cited by Labcorp Genetics (formerly Invitae), Labcorp).

NM_025099.6(CTC1):c.2670-3C>G

Gene: CTC1 (CST telomere replication complex component 1; minus strand). Cytogenetic location: 17p13.1.
Variant type: single nucleotide variant.
Coding change: c.2670-3C>G on transcript NM_025099.6 (MANE Select); 3 bases into the intron before coding-DNA position 2670, C replaced by G.
Molecular consequence: intron variant.
Genome position (GRCh38, 1-based): chr17:8,230,654, G>C on the plus strand (C>G on the coding strand, the complement: CTC1 is on the minus strand). VCF-style: chr17-8230654-G-C. GRCh37 (hg19) VCF-style: chr17-8133972-G-C.
Identifiers: ClinVar variation 846882 (VCV000846882.9), dbSNP rs765650487, ClinGen allele CA8372005.